The following is an entry in ClinVar:

NM_000051.4(ATM):c.815A>T (p.Asn272Ile)

Gene: ATM (ATM serine/threonine kinase; plus strand). Cytogenetic location: 11q22.3.
Variant type: single nucleotide variant.
Coding change: c.815A>T on transcript NM_000051.4 (MANE Select); coding-DNA position 815, A replaced by T.
Protein change: p.Asn272Ile; replaces asparagine 272 with isoleucine.
Molecular consequence: missense variant.
Genome position (GRCh38, 1-based): chr11:108,244,940, A>T. VCF-style: chr11-108244940-A-T. GRCh37 (hg19) VCF-style: chr11-108115667-A-T.
Other names: c.815A>T, p.Asn272Ile (NM_001351834.2); short protein forms N272I.
Identifiers: ClinVar variation 524296 (VCV000524296.9), dbSNP rs1555067189, ClinGen allele CA382529404.
Genomic context (GRCh38, chr11:108,244,940, plus strand): 5'-GTGAATTAGGAGATGAAATTCTTCCCACTTTGCTTTATATTTGGACTCAACATAGGCTTA[A>T]TGATTCTTTAAAAGAAGTCATTATTGAATTATTTCAACTGCAAATTTATATCCATCATCC-3'
Protein context (NP_000042.3, residues 262-282): LLYIWTQHRL[Asn272Ile]DSLKEVIIEL

ClinVar aggregate classification (germline): Uncertain significance. Review status: criteria provided, multiple submitters, no conflicts (2 of 4 stars). 2 submissions from 2 submitters: Uncertain significance (2). Last evaluated 2025-05-18.

Conditions:
Hereditary cancer-predisposing syndrome. Also called: Neoplastic Syndromes, Hereditary; Tumor predisposition; Hereditary Cancer Syndrome; Hereditary neoplastic syndrome. Identifiers: Orphanet 140162, MedGen C0027672, MeSH D009386, MONDO:0015356.
Ataxia-telangiectasia syndrome (AT). Also called: ATAXIA-TELANGIECTASIA, COMPLEMENTATION GROUP A; ATAXIA-TELANGIECTASIA, FRESNO VARIANT; Ataxia-telangiectasia; Ataxia-telangiectasia, complementation group D; AT, COMPLEMENTATION GROUP C; Ataxia-telangiectasia, complementation group E. Identifiers: Orphanet 100, MedGen C0004135, MONDO:0008840, OMIM 208900.

gnomAD v4.1: 1 of 1,613,480 alleles (0.000062%); highest among the groups gnomAD compares: Non-Finnish European, 0.000085%; no homozygotes.

Submissions (2):

Ambry Genetics
Classification: Uncertain significance for Hereditary cancer-predisposing syndrome. Last evaluated: 2025-05-18. Review status: criteria provided, single submitter. Criteria: Ambry Variant Classification Scheme 2023. Collection method: clinical testing. Allele origin: germline.
Comment: The p.N272I variant (also known as c.815A>T), located in coding exon 6 of the ATM gene, results from an A to T substitution at nucleotide position 815. The asparagine at codon 272 is replaced by isoleucine, an amino acid with dissimilar properties. This amino acid position is not well conserved in available vertebrate species. In addition, this alteration is predicted to be tolerated by in silico analysis. Since supporting evidence is limited at this time, the clinical significance of this alteration remains unclear.

Labcorp Genetics (formerly Invitae), Labcorp
Classification: Uncertain significance for Ataxia-telangiectasia syndrome. Last evaluated: 2021-08-20. Review status: criteria provided, single submitter. Criteria: Invitae Variant Classification Sherloc (09022015). Collection method: clinical testing. Allele origin: germline.
Comment: This sequence change replaces asparagine with isoleucine at codon 272 of the ATM protein (p.Asn272Ile). The asparagine residue is weakly conserved and there is a large physicochemical difference between asparagine and isoleucine. This variant is not present in population databases (ExAC no frequency). This variant has not been reported in the literature in individuals affected with ATM-related conditions. ClinVar contains an entry for this variant (Variation ID: 524296). Advanced modeling of protein sequence and biophysical properties (such as structural, functional, and spatial information, amino acid conservation, physicochemical variation, residue mobility, and thermodynamic stability) performed at Invitae indicates that this missense variant is not expected to disrupt ATM protein function. In summary, the available evidence is currently insufficient to determine the role of this variant in disease. Therefore, it has been classified as a Variant of Uncertain Significance.